The following is an entry in ClinVar:

NM_018100.4(EFHC1):c.917-1G>C

Gene: EFHC1 (EF-hand domain containing 1; plus strand). Cytogenetic location: 6p12.2.
Variant type: single nucleotide variant.
Coding change: c.917-1G>C on transcript NM_018100.4 (MANE Select); the canonical splice acceptor site of the intron before coding-DNA position 917, G replaced by C.
Molecular consequence: splice acceptor variant.
Genome position (GRCh38, 1-based): chr6:52,464,894, G>C. VCF-style: chr6-52464894-G-C. GRCh37 (hg19) VCF-style: chr6-52329692-G-C.
Other names: c.860-1G>C (NM_001172420.2).
Identifiers: ClinVar variation 3041427 (VCV003041427.2), dbSNP rs2532626998, ClinGen allele CA364455255.

ClinVar aggregate classification (germline): Uncertain significance (0 of 4 stars; one submission).

Conditions:
EFHC1-related disorder. Also called: EFHC1-related condition.

Submission:

PreventionGenetics, part of Exact Sciences
Classification: Uncertain significance for EFHC1-related condition. Last evaluated: 2024-02-06. Review status: no assertion criteria provided. Collection method: clinical testing. Allele origin: germline.
Comment: The EFHC1 c.917-1G>C variant is predicted to disrupt the AG splice acceptor site and interfere with normal splicing. To our knowledge, this variant has not been reported in the literature or in a large population database, indicating this variant is rare. Although we suspect that this variant may be pathogenic, at this time, the clinical significance of this variant is uncertain due to the absence of conclusive functional and genetic evidence.